The following is an entry in ClinVar:

ClinVar aggregate classification (germline): Uncertain significance (1 of 4 stars; one submission).

Conditions:
Keratoderma-ichthyosis-deafness syndrome, autosomal recessive (KDIDAR). Identifiers: MedGen C5774200, MONDO:0859278, OMIM 620009.
Cholestasis, progressive familial intrahepatic, 12 (PFIC12). Also called: CHOLESTASIS, ISOLATED LOW-GGT. Identifiers: MedGen C5774311, MONDO:0031040, OMIM 620010.
Arthrogryposis, renal dysfunction, and cholestasis 1 (ARCS1). Identifiers: Orphanet 2697, MedGen C1859722, MONDO:0008822, OMIM 208085.

Submission:

Juno Genomics, Hangzhou Juno Genomics, Inc
Classification: Uncertain significance for Arthrogryposis, renal dysfunction, and cholestasis 1; Cholestasis, progressive familial intrahepatic, 12; Keratoderma-ichthyosis-deafness syndrome, autosomal recessive. Review status: criteria provided, single submitter. Criteria: ACMG Guidelines, 2015. Collection method: clinical testing. Allele origin: germline.
Comment: Absent from controls (or at extremely low frequency if recessive) in Genome Aggregation Database.;Multiple lines of computational evidence support a deleterious effect on the gene or gene product.

NM_018668.5(VPS33B):c.1192C>G (p.Arg398Gly)

Gene: VPS33B (VPS33B late endosome and lysosome associated; minus strand). Cytogenetic location: 15q26.1.
Variant type: single nucleotide variant.
Coding change: c.1192C>G on transcript NM_018668.5 (MANE Select); coding-DNA position 1192, C replaced by G.
Protein change: p.Arg398Gly; replaces arginine 398 with glycine.
Molecular consequence: missense variant.
Genome position (GRCh38, 1-based): chr15:91,004,910, G>C on the plus strand (C>G on the coding strand, the complement: VPS33B is on the minus strand). VCF-style: chr15-91004910-G-C. GRCh37 (hg19) VCF-style: chr15-91548140-G-C.
Other names: c.1111C>G, p.Arg371Gly (NM_001289148.1); c.919C>G, p.Arg307Gly (NM_001289149.1); short protein forms R307G, R371G, R398G.
Identifiers: ClinVar variation 5019497 (VCV005019497.2).